The following is an entry in ClinVar:

ClinVar aggregate classification (germline): Uncertain significance. Review status: criteria provided, multiple submitters, no conflicts (2 of 4 stars). 2 submissions from 2 submitters: Uncertain significance (2). Last evaluated 2022-08-09.

Allele frequency attached by ClinVar (database versions not stated): gnomAD 0.00002; ExAC 0.00003; gnomAD exomes 0.00003; TOPMed 0.00003.
gnomAD v4.1: 51 of 1,613,742 alleles (0.0032%); highest among the groups gnomAD compares: Non-Finnish European, 0.0039%; 1 homozygote.

Submissions (2):

Labcorp Genetics (formerly Invitae), Labcorp
Classification: Uncertain significance. Last evaluated: 2022-08-09. Review status: criteria provided, single submitter. Criteria: Invitae Variant Classification Sherloc (09022015). Collection method: clinical testing. Allele origin: germline.
Comment: This sequence change replaces arginine, which is basic and polar, with glutamine, which is neutral and polar, at codon 1937 of the KIAA1549 protein (p.Arg1937Gln). This variant is present in population databases (rs572566754, gnomAD 0.008%). This variant has not been reported in the literature in individuals affected with KIAA1549-related conditions. Algorithms developed to predict the effect of missense changes on protein structure and function are either unavailable or do not agree on the potential impact of this missense change (SIFT: "Deleterious"; PolyPhen-2: "Probably Damaging"; Align-GVGD: "Class C0"). In summary, the available evidence is currently insufficient to determine the role of this variant in disease. Therefore, it has been classified as a Variant of Uncertain Significance.

Blueprint Genetics
Classification: Uncertain significance. Last evaluated: 2022-03-15. Review status: criteria provided, single submitter. Criteria: ACMG Guidelines, 2015. Collection method: clinical testing. Allele origin: germline.

NM_001164665.2(KIAA1549):c.5810G>A (p.Arg1937Gln)

Gene: KIAA1549 (KIAA1549; minus strand). Cytogenetic location: 7q34.
Variant type: single nucleotide variant.
Coding change: c.5810G>A on transcript NM_001164665.2 (MANE Select); coding-DNA position 5810, G replaced by A.
Protein change: p.Arg1937Gln; replaces arginine 1937 with glutamine.
Molecular consequence: missense variant.
Genome position (GRCh38, 1-based): chr7:138,837,949, C>T on the plus strand (G>A on the coding strand, the complement: KIAA1549 is on the minus strand). VCF-style: chr7-138837949-C-T. GRCh37 (hg19) VCF-style: chr7-138522694-C-T.
Other names: c.5762G>A, p.Arg1921Gln (NM_020910.3); short protein forms R1937Q, R1921Q.
Identifiers: ClinVar variation 2056110 (VCV002056110.2), dbSNP rs572566754, ClinGen allele CA4505463.